The following is an entry in ClinVar:

NM_001128228.3(TPRN):c.1512G>A (p.Val504=)

Gene: TPRN (taperin; minus strand). Cytogenetic location: 9q34.3.
Variant type: single nucleotide variant.
Coding change: c.1512G>A on transcript NM_001128228.3 (MANE Select); coding-DNA position 1512, G replaced by A.
Protein change: p.Val504=; no amino-acid change (valine 504 retained).
Molecular consequence: synonymous variant.
Genome position (GRCh38, 1-based): chr9:137,199,200, C>T on the plus strand (G>A on the coding strand, the complement: TPRN is on the minus strand). VCF-style: chr9-137199200-C-T. GRCh37 (hg19) VCF-style: chr9-140093652-C-T.
Identifiers: ClinVar variation 5008459 (VCV005008459.1).

ClinVar aggregate classification (germline): Uncertain significance (1 of 4 stars; one submission).

Submission:

GeneDx
Classification: Uncertain significance. Last evaluated: 2026-03-11. Review status: criteria provided, single submitter. Criteria: GeneDx Variant Classification Process June 2021. Collection method: clinical testing. Allele origin: germline.
Comment: Not observed at significant frequency in large population cohorts (gnomAD); In silico analysis suggests that this variant does not alter splicing; Has not been previously published as pathogenic or benign to our knowledge